The following is an entry in ClinVar:

ClinVar aggregate classification (germline): Uncertain significance (1 of 4 stars; one submission).

Allele frequency attached by ClinVar (database versions not stated): gnomAD exomes below 0.00001; ExAC 0.00001; gnomAD 0.00001; TOPMed 0.00001; 1000 Genomes Project 30x 0.00016; 1000 Genomes Project 0.00020.

Submission:

Seattle Children's Hospital Molecular Genetics Laboratory, Seattle Children's Hospital
Classification: Uncertain significance. Last evaluated: 2020-12-28. Review status: criteria provided, single submitter. Criteria: ACMG Guidelines, 2015. Collection method: clinical testing. Allele origin: germline. Affected: yes.
Comment: This variant has not been reported in the scientific literature or ClinVar database as a pathogenic change. It is also absent from large population cohorts (Genome Aggregation Database v2.1.1; GRCh37 chr5:g.180041167G>C). Computational tools have conflicting predictions about the possible impact of this change on protein function. The leucine at amino acid position 1078 is located within the FLT4 protein kinase domain (UniProt P35916, aa# 845 – 1173) and is highly conserved across species.

NM_182925.5(FLT4):c.3232C>G (p.Leu1078Val)

Gene: FLT4 (fms related receptor tyrosine kinase 4; minus strand). Cytogenetic location: 5q35.3.
Variant type: single nucleotide variant.
Coding change: c.3232C>G on transcript NM_182925.5 (MANE Select); coding-DNA position 3232, C replaced by G.
Protein change: p.Leu1078Val; replaces leucine 1078 with valine.
Molecular consequence: missense variant.
Genome position (GRCh38, 1-based): chr5:180,614,167, G>C on the plus strand (C>G on the coding strand, the complement: FLT4 is on the minus strand). VCF-style: chr5-180614167-G-C. GRCh37 (hg19) VCF-style: chr5-180041167-G-C.
Other names: c.3232C>G, p.Leu1078Val (NM_001354989.2, NM_002020.5); short protein forms L1078V.
Identifiers: ClinVar variation 1691360 (VCV001691360.2), dbSNP rs535681122, ClinGen allele CA3605913.